The following is an entry in ClinVar:

NM_002692.4(POLE2):c.332_337del (p.Met111_Thr112del)

Gene: POLE2 (DNA polymerase epsilon 2, accessory subunit; minus strand). Cytogenetic location: 14q21.3.
Variant type: Deletion.
Coding change: c.332_337del on transcript NM_002692.4 (MANE Select); coding-DNA positions 332 to 337, 6 bases deleted (TGACCA; older notation c.332_337delTGACCA).
Protein change: p.Met111_Thr112del.
Genome position (GRCh38, 1-based): chr14:49,674,203-49,674,208, TGGTCA deleted on the plus strand (TGACCA on the coding strand, the reverse complement: POLE2 is on the minus strand); deleting any 6 consecutive bases within chr14:49,674,203-49,674,209 gives the same sequence; the c. name uses the placement nearest the transcript's 3' end. VCF-style (leftmost placement, unchanged base first): chr14-49674202-TTGGTCA-T. GRCh37 (hg19) VCF-style: chr14-50140920-TTGGTCA-T.
Other names: c.254_259del, p.Met85_Thr86del (NM_001197330.2); c.332_337del, p.Met111_Thr112del (NM_001197331.3, NM_001348384.2); c.101_106del, p.Met34_Thr35del (NM_001348385.2).
Identifiers: ClinVar variation 3728450 (VCV003728450.2).

ClinVar aggregate classification (germline): Uncertain significance (1 of 4 stars; one submission).

Submission:

Labcorp Genetics (formerly Invitae), Labcorp
Classification: Uncertain significance. Last evaluated: 2025-01-15. Review status: criteria provided, single submitter. Criteria: Invitae Variant Classification Sherloc (09022015). Collection method: clinical testing. Allele origin: germline.
Comment: This variant, c.332_337del, results in the deletion of 2 amino acid(s) of the POLE2 protein (p.Met111_Thr112del), but otherwise preserves the integrity of the reading frame. This variant is not present in population databases (gnomAD no frequency). This variant has not been reported in the literature in individuals affected with POLE2-related conditions. Experimental studies and prediction algorithms are not available or were not evaluated, and the functional significance of this variant is currently unknown. In summary, the available evidence is currently insufficient to determine the role of this variant in disease. Therefore, it has been classified as a Variant of Uncertain Significance.